The following is an entry in ClinVar:

NM_001083962.2(TCF4):c.1146+198A>G

Gene: TCF4 (transcription factor 4; minus strand). Cytogenetic location: 18q21.2.
Variant type: single nucleotide variant.
Coding change: c.1146+198A>G on transcript NM_001083962.2 (MANE Select); 198 bases into the intron after coding-DNA position 1146, A replaced by G.
Molecular consequence: intron variant.
Genome position (GRCh38, 1-based): chr18:55,257,117, T>C on the plus strand (A>G on the coding strand, the complement: TCF4 is on the minus strand). VCF-style: chr18-55257117-T-C. GRCh37 (hg19) VCF-style: chr18-52924348-T-C.
Other names: c.933+198A>G (NM_001306208.1, NM_001243232.1); c.1452+198A>G (NM_001243226.3); c.1071+198A>G (NM_001369584.1, NM_001369576.1, NM_001369577.1 and 6 more transcripts); c.1074+198A>G (NM_001369582.1, NM_001243227.2, NM_001369583.1 and 5 more transcripts); c.1077+198A>G (NM_001369586.1); c.1146+198A>G (NM_001369571.1, NM_001369567.1, NM_001369572.1 and 2 more transcripts); c.1164+198A>G (NM_001243228.2); c.1137+198A>G (NM_001243230.2); and 6 more.
Identifiers: ClinVar variation 670702 (VCV000670702.1), dbSNP rs11664992, ClinGen allele CA14575064.
Genomic context (GRCh38, chr18:55,257,117, plus strand): 5'-AGGCCATTGCCCTTCCAGGATTTTATCTGCTACTAGATATTTAGAGCCCTGGGGCTGCCA[T>C]TACAGTAGTATCTGGGTTCCCATCTCCAAATAGGAGCAAGCATAGGCTAATGACTCTGGC-3'

ClinVar aggregate classification (germline): Benign (1 of 4 stars; one submission).

Allele frequency attached by ClinVar (database versions not stated): 1000 Genomes Project 30x 0.19956; 1000 Genomes Project 0.20407; TOPMed 0.22507; gnomAD 0.23466 and 0.23539.
gnomAD v4.1: 35,697 of 152,046 alleles (23%); highest among the groups gnomAD compares: East Asian, 32%; 4,485 homozygotes.

Submission:

GeneDx
Classification: Benign. Last evaluated: 2018-06-14. Review status: criteria provided, single submitter. Criteria: GeneDx Variant Classification (06012015). Collection method: clinical testing. Allele origin: germline. Affected: yes.
Comment: This variant is considered likely benign or benign based on one or more of the following criteria: it is a conservative change, it occurs at a poorly conserved position in the protein, it is predicted to be benign by multiple in silico algorithms, and/or has population frequency not consistent with disease.